The following is an entry in ClinVar:

NM_053025.4(MYLK):c.848C>G (p.Ser283Trp)

Gene: MYLK (myosin light chain kinase; minus strand). Cytogenetic location: 3q21.1.
Variant type: single nucleotide variant.
Coding change: c.848C>G on transcript NM_053025.4 (MANE Select); coding-DNA position 848, C replaced by G.
Protein change: p.Ser283Trp; replaces serine 283 with tryptophan.
Molecular consequence: missense variant.
Genome position (GRCh38, 1-based): chr3:123,734,148, G>C on the plus strand (C>G on the coding strand, the complement: MYLK is on the minus strand). VCF-style: chr3-123734148-G-C. GRCh37 (hg19) VCF-style: chr3-123452995-G-C.
Other names: c.320C>G, p.Ser107Trp (NM_001321309.2); c.848C>G, p.Ser283Trp (NM_053026.4, NM_053027.4, NM_053028.4); short protein forms S107W, S283W.
Identifiers: ClinVar variation 2921039 (VCV002921039.1), dbSNP rs150096018, ClinGen allele CA354240021.

ClinVar aggregate classification (germline): Uncertain significance (1 of 4 stars; one submission).

gnomAD v4.1: 1 of 1,567,786 alleles (0.000064%); highest among the groups gnomAD compares: Non-Finnish European, 0.000086%; no homozygotes.

Submission:

ARUP Laboratories, Molecular Genetics and Genomics, ARUP Laboratories
Classification: Uncertain significance. Last evaluated: 2023-08-28. Review status: criteria provided, single submitter. Criteria: ARUP Molecular Germline Variant Investigation Process 2024. Collection method: clinical testing. Allele origin: germline.
Comment: The MYLK c.848C>G; p.Ser283Trp variant, to our knowledge, is not reported in the medical literature or gene specific databases. This variant is also absent from the Genome Aggregation Database, indicating it is not a common polymorphism. Computational analyses are uncertain whether this variant is neutral or deleterious (REVEL: 0.21). Due to limited information, the clinical significance of this variant is uncertain at this time.